The following is an entry in ClinVar:

NM_000137.4(FAH):c.81+8G>A

Gene: FAH (fumarylacetoacetate hydrolase; plus strand). Cytogenetic location: 15q25.1.
Variant type: single nucleotide variant.
Coding change: c.81+8G>A on transcript NM_000137.4 (MANE Select); 8 bases into the intron after coding-DNA position 81, G replaced by A.
Molecular consequence: intron variant.
Genome position (GRCh38, 1-based): chr15:80,153,143, G>A. VCF-style: chr15-80153143-G-A. GRCh37 (hg19) VCF-style: chr15-80445485-G-A.
Other names: c.81+8G>A (NM_001374377.1, NM_001374380.1).
Identifiers: ClinVar variation 317202 (VCV000317202.16), dbSNP rs188046704, ClinGen allele CA7690985.

ClinVar aggregate classification (germline): Conflicting classifications of pathogenicity. Review status: criteria provided, conflicting classifications (1 of 4 stars). 4 submissions from 4 submitters: Uncertain significance (1); Likely benign (2). 1 of the submissions does not count toward it. Last evaluated 2025-11-13.

Conditions:
FAH-related disorder. Also called: FAH-related condition.
Tyrosinemia type I (TYRSN1). Also called: Tyrosinemia type 1; Fumarylacetoacetase deficiency; Deficiency of fumarylacetoacetase; HEPATORENAL TYROSINEMIA; FAH DEFICIENCY. Identifiers: Orphanet 882, MedGen C0268490, MONDO:0010161, OMIM 276700. Disease mechanism: loss of function.

Allele frequency attached by ClinVar (database versions not stated): ExAC 0.00004; gnomAD 0.00004 and 0.00006; gnomAD exomes 0.00004 and 0.00008; TOPMed 0.00004; ESP Exome Variant Server 0.00008; 1000 Genomes Project 30x 0.00047; 1000 Genomes Project 0.00060.
gnomAD v4.1: 139 of 1,609,926 alleles (0.0086%); highest among the groups gnomAD compares: Non-Finnish European, 0.011%; no homozygotes.

Submissions (4):

Labcorp Genetics (formerly Invitae), Labcorp
Classification: Likely benign for Tyrosinemia type I. Last evaluated: 2025-11-13. Review status: criteria provided, single submitter. Criteria: Invitae Variant Classification Sherloc (09022015). Collection method: clinical testing. Allele origin: germline.

PreventionGenetics, part of Exact Sciences
Classification: Likely benign for FAH-related condition. Last evaluated: 2025-01-23. Review status: criteria provided, single submitter. Criteria: ACMG Guidelines, 2015. Collection method: clinical testing. Allele origin: germline.
Comment: This variant is classified as likely benign based on ACMG/AMP sequence variant interpretation guidelines (Richards et al. 2015 PMID: 25741868, with internal and published modifications).

Illumina Laboratory Services, Illumina
Classification: Uncertain significance for Tyrosinemia type I. Last evaluated: 2018-01-13. Review status: criteria provided, single submitter. Criteria: ICSL Variant Classification Criteria 13 December 2019. Collection method: clinical testing. Allele origin: germline.

Natera, Inc.
Classification: Uncertain significance for Tyrosinemia type I. Last evaluated: 2020-04-19. Review status: no assertion criteria provided. Collection method: clinical testing. Allele origin: germline. Not counted in ClinVar's aggregate classification.